The following is an entry in ClinVar:

NM_003859.3(DPM1):c.9C>G (p.Ser3=)

Genes: DPM1 (dolichyl-phosphate mannosyltransferase subunit 1, catalytic; minus strand), LOC130066166 (ATAC-STARR-seq lymphoblastoid active region 18108; plus strand). Cytogenetic location: 20q13.13.
Variant type: single nucleotide variant.
Coding change: c.9C>G on transcript NM_003859.3 (MANE Select); coding-DNA position 9, C replaced by G.
Protein change: p.Ser3=; no amino-acid change (serine 3 retained).
Molecular consequence: synonymous variant. On other transcripts: non-coding transcript variant (1).
Genome position (GRCh38, 1-based): chr20:50,958,515, G>C on the plus strand (C>G on the coding strand, the complement: DPM1 is on the minus strand). VCF-style: chr20-50958515-G-C. GRCh37 (hg19) VCF-style: chr20-49575052-G-C.
Other names: c.9C>G, p.Ser3= (NM_001317034.1, NM_001317035.1, NM_001317036.1).
Identifiers: ClinVar variation 512776 (VCV000512776.11), dbSNP rs150509150, ClinGen allele CA9909282.

ClinVar aggregate classification (germline): Likely benign. Review status: criteria provided, multiple submitters, no conflicts (2 of 4 stars). 2 submissions from 2 submitters: Likely benign (2). Last evaluated 2024-04-04.

Conditions:
Congenital disorder of glycosylation type 1E (CDG1E). Also called: CONGENITAL DISORDER OF GLYCOSYLATION, TYPE Ie; CDG Ie. Identifiers: Orphanet 79322, MedGen C1837396, MONDO:0012123, OMIM 608799.

Allele frequency attached by ClinVar (database versions not stated): gnomAD 0.00003; TOPMed 0.00005; 1000 Genomes Project 30x 0.00016; ExAC 0.00018; 1000 Genomes Project 0.00020.
gnomAD v4.1: 129 of 1,613,672 alleles (0.008%); highest among the groups gnomAD compares: Non-Finnish European, 0.01%; no homozygotes.

Submissions (2):

Labcorp Genetics (formerly Invitae), Labcorp
Classification: Likely benign for Congenital disorder of glycosylation type 1E. Last evaluated: 2024-04-04. Review status: criteria provided, single submitter. Criteria: Invitae Variant Classification Sherloc (09022015). Collection method: clinical testing. Allele origin: germline.

GeneDx
Classification: Likely benign. Last evaluated: 2017-10-31. Review status: criteria provided, single submitter. Criteria: GeneDx Variant Classification (06012015). Collection method: clinical testing. Allele origin: germline. Affected: yes.
Comment: This variant is considered likely benign or benign based on one or more of the following criteria: it is a conservative change, it occurs at a poorly conserved position in the protein, it is predicted to be benign by multiple in silico algorithms, and/or has population frequency not consistent with disease.